The following is an entry in ClinVar:

NM_052947.4(ALPK2):c.6061G>C (p.Glu2021Gln)

Gene: ALPK2 (alpha kinase 2; minus strand). Cytogenetic location: 18q21.31.
Variant type: single nucleotide variant.
Coding change: c.6061G>C on transcript NM_052947.4 (MANE Select); coding-DNA position 6061, G replaced by C.
Protein change: p.Glu2021Gln; replaces glutamic acid 2021 with glutamine.
Molecular consequence: missense variant.
Genome position (GRCh38, 1-based): chr18:58,504,117, C>G on the plus strand (G>C on the coding strand, the complement: ALPK2 is on the minus strand). VCF-style: chr18-58504117-C-G. GRCh37 (hg19) VCF-style: chr18-56171349-C-G.
Other names: short protein forms E2021Q.
Identifiers: ClinVar variation 1751340 (VCV001751340.2), dbSNP rs758551386, ClinGen allele CA300899725.

ClinVar aggregate classification (germline): Uncertain significance (1 of 4 stars; one submission).

Allele frequency attached by ClinVar (database versions not stated): gnomAD exomes 0.00001.
gnomAD v4.1: 20 of 1,614,206 alleles (0.0012%); highest among the groups gnomAD compares: Non-Finnish European, 0.0017%; no homozygotes.

Submission:

Ambry Genetics
Classification: Uncertain significance. Last evaluated: 2023-10-15. Review status: criteria provided, single submitter. Criteria: Ambry Variant Classification Scheme 2023. Collection method: clinical testing. Allele origin: germline.
Comment: The p.E2021Q variant (also known as c.6061G>C), located in coding exon 10 of the ALPK2 gene, results from a G to C substitution at nucleotide position 6061. The glutamic acid at codon 2021 is replaced by glutamine, an amino acid with highly similar properties. This amino acid position is conserved. In addition, this alteration is predicted to be tolerated by in silico analysis. Since supporting evidence is limited at this time, the clinical significance of this alteration remains unclear.